The following is an entry in ClinVar:

ClinVar aggregate classification (germline): Benign/Likely benign. Review status: criteria provided, multiple submitters, no conflicts (2 of 4 stars). 11 submissions from 11 submitters: Benign (4); Likely benign (2). 5 of the submissions do not count toward it. Last evaluated 2026-09-01.

Conditions:
Short-rib thoracic dysplasia 10 with or without polydactyly (SRTD10). Identifiers: Orphanet 474, MedGen C3810175, MONDO:0014284, OMIM 615630.
Retinitis pigmentosa 71 (RP71). Identifiers: Orphanet 791, MedGen C4225342, MONDO:0014618, OMIM 616394.
Oligodontia-cancer predisposition syndrome. Also called: TOOTH AGENESIS-COLORECTAL CANCER SYNDROME. Identifiers: Orphanet 300576, MedGen C1837750, MONDO:0012075, OMIM 608615. Disease mechanism: loss of function.

Allele frequency attached by ClinVar (database versions not stated): 1000 Genomes Project 0.00280; 1000 Genomes Project 30x 0.00344; gnomAD 0.00470 and 0.00489; TOPMed 0.00502; ESP Exome Variant Server 0.00523; gnomAD exomes 0.00609 and 0.00650; ExAC 0.00721.
gnomAD v4.1: 9,691 of 1,603,214 alleles (0.6%); highest among the groups gnomAD compares: Middle Eastern, 3.9%; 59 homozygotes.

Submissions (11):

CeGaT Center for Human Genetics Tuebingen
Classification: Likely benign. Last evaluated: 2026-09-01. Review status: criteria provided, single submitter. Criteria: CeGaT Center For Human Genetics Tuebingen Variant Classification Criteria Version 2. Collection method: clinical testing. Allele origin: germline. Affected: yes. Observed: 44 variant alleles.
Comment: IFT172: BP4, BS2

Labcorp Genetics (formerly Invitae), Labcorp
Classification: Benign for Retinitis pigmentosa 71; Short-rib thoracic dysplasia 10 with or without polydactyly. Last evaluated: 2026-02-01. Review status: criteria provided, single submitter. Criteria: Invitae Variant Classification Sherloc (09022015). Collection method: clinical testing. Allele origin: germline.

Genomic Medicine Center of Excellence, King Faisal Specialist Hospital and Research Centre
Classification: Likely benign for Oligodontia-cancer predisposition syndrome. Last evaluated: 2025-07-30. Review status: criteria provided, single submitter. Criteria: ACMG Guidelines, 2015. Collection method: clinical testing. Allele origin: germline.

Mayo Clinic Laboratories, Mayo Clinic
Classification: Benign. Last evaluated: 2025-01-24. Review status: criteria provided, single submitter. Criteria: ACMG Guidelines, 2015. Collection method: clinical testing. Allele origin: germline. Observed: 1 variant allele.
Comment: BS1, BS2

Genetic Services Laboratory, University of Chicago
Classification: Benign. Last evaluated: 2019-05-15. Review status: criteria provided, single submitter. Criteria: ACMG Guidelines, 2015. Collection method: clinical testing. Allele origin: germline. Affected: no.

GeneDx
Classification: Benign. Last evaluated: 2017-03-30. Review status: criteria provided, single submitter. Criteria: GeneDx Variant Classification (06012015). Collection method: clinical testing. Allele origin: germline. Affected: yes.
Comment: This variant is considered likely benign or benign based on one or more of the following criteria: it is a conservative change, it occurs at a poorly conserved position in the protein, it is predicted to be benign by multiple in silico algorithms, and/or has population frequency not consistent with disease.

Clinical Genetics DNA and cytogenetics Diagnostics Lab, Erasmus MC, Erasmus Medical Center
Classification: Likely benign. Review status: no assertion criteria provided. Collection method: clinical testing. Allele origin: germline. Affected: yes. Study: VKGL Data-share Consensus. Not counted in ClinVar's aggregate classification.

Clinical Genetics, Academic Medical Center
Classification: Benign. Review status: no assertion criteria provided. Collection method: clinical testing. Allele origin: germline. Affected: yes. Study: VKGL Data-share Consensus. Not counted in ClinVar's aggregate classification.

Diagnostic Laboratory, Department of Genetics, University Medical Center Groningen
Classification: Likely benign. Review status: no assertion criteria provided. Collection method: clinical testing. Allele origin: germline. Affected: yes. Study: VKGL Data-share Consensus. Not counted in ClinVar's aggregate classification.

Genome Diagnostics Laboratory, University Medical Center Utrecht
Classification: Benign. Review status: no assertion criteria provided. Collection method: clinical testing. Allele origin: germline. Affected: yes. Study: VKGL Data-share Consensus. Not counted in ClinVar's aggregate classification.

Laboratory of Diagnostic Genome Analysis, Leiden University Medical Center (LUMC)
Classification: Likely benign. Review status: no assertion criteria provided. Collection method: clinical testing. Allele origin: germline. Affected: yes. Study: VKGL Data-share Consensus. Not counted in ClinVar's aggregate classification.

Literature cited by the submitters: PubMed 31308072 (cited by Mayo Clinic Laboratories, Mayo Clinic).

NM_015662.3(IFT172):c.1685C>G (p.Thr562Ser)

Gene: IFT172 (intraflagellar transport 172; minus strand). Cytogenetic location: 2p23.3.
Variant type: single nucleotide variant.
Coding change: c.1685C>G on transcript NM_015662.3 (MANE Select); coding-DNA position 1685, C replaced by G.
Protein change: p.Thr562Ser; replaces threonine 562 with serine.
Molecular consequence: missense variant.
Genome position (GRCh38, 1-based): chr2:27,470,935, G>C on the plus strand (C>G on the coding strand, the complement: IFT172 is on the minus strand). VCF-style: chr2-27470935-G-C. GRCh37 (hg19) VCF-style: chr2-27693802-G-C.
Other names: p.Thr562Ser; short protein forms T562S.
Identifiers: ClinVar variation 476042 (VCV000476042.62), dbSNP rs61743977, ClinGen allele CA1580570.
Genomic context (GRCh38, chr2:27,470,935, plus strand): 5'-CTCTAATTAATCAGCTCAATACCACATCTGAGGGCCCCTAGTGTCCAACATACCCTAATA[G>C]TGAACATGGTGACTCTCTCAGGTGCCTCAATGTTGTACCATACACACAGACTGTTTCGGT-3'
Protein context (NP_056477.1, residues 552-572): IEAPERVTMF[Thr562Ser]IRGDVIGLER